The following is an entry in ClinVar:

NM_006767.4(LZTR1):c.672_673delinsA (p.Pro226fs)

Gene: LZTR1 (leucine zipper like post translational regulator 1; plus strand). Cytogenetic location: 22q11.21.
Variant type: Indel.
Coding change: c.672_673delinsA on transcript NM_006767.4 (MANE Select); coding-DNA positions 672 to 673, CC replaced by A.
Protein change: p.Pro226fs; shifts the reading frame from proline 226.
Molecular consequence: frameshift variant.
Genome position (GRCh38, 1-based): chr22:20,990,406-20,990,407, CC replaced by A. VCF-style: chr22-20990406-CC-A. GRCh37 (hg19) VCF-style: chr22-21344695-CC-A.
Other names: short protein forms P226fs.
Identifiers: ClinVar variation 3238321 (VCV003238321.1), dbSNP rs2518615682.

ClinVar aggregate classification (germline): Pathogenic (1 of 4 stars; one submission).

Conditions:
Hereditary cancer-predisposing syndrome. Also called: Neoplastic Syndromes, Hereditary; Tumor predisposition; Hereditary neoplastic syndrome; Hereditary Cancer Syndrome. Identifiers: Orphanet 140162, MedGen C0027672, MeSH D009386, MONDO:0015356.
Cardiovascular phenotype. Identifiers: MedGen CN230736.

Submission:

Ambry Genetics
Classification: Pathogenic for Cardiovascular phenotype; Hereditary cancer-predisposing syndrome. Last evaluated: 2023-04-05. Review status: criteria provided, single submitter. Criteria: Ambry Variant Classification Scheme 2023. Collection method: clinical testing. Allele origin: germline.
Comment: The c.672_673delCCinsA variant, located in coding exon 8 of the LZTR1 gene, results from the deletion of two nucleotides and insertion of one nucleotide causing a translational frameshift with a predicted alternate stop codon (p.P226Hfs*26). This alteration is expected to result in loss of function by premature protein truncation or nonsense-mediated mRNA decay. Loss-of-function variants in LZTR1 are related to an increased risk for schwannomas and autosomal recessive Noonan syndrome; however, such associations with autosomal dominant Noonan syndrome have not been observed (Piotrowski A et al. Nat Genet. 2014 Feb;46:182-7; Yamamoto GL et al. J Med Genet. 2015 Jun;52:413-21; Johnston JJ et al. Genet Med. 2018 10;20:1175-1185). Based on the supporting evidence, this variant is pathogenic for an increased risk of LZTR1-related schwannomatosis (SWN) and would be expected to cause autosomal recessive Noonan syndrome when present along with a second pathogenic or likely pathogenic variant on the other allele; however, the association of this alteration with autosomal dominant Noonan syndrome is unlikely.